The following is an entry in ClinVar:

NM_007078.3(LDB3):c.1339C>G (p.Pro447Ala)

Gene: LDB3 (LIM domain binding 3; plus strand). Cytogenetic location: 10q23.2.
Variant type: single nucleotide variant.
Coding change: c.1339C>G on transcript NM_007078.3 (MANE Select); coding-DNA position 1339, C replaced by G.
Protein change: p.Pro447Ala; replaces proline 447 with alanine.
Molecular consequence: missense variant.
Genome position (GRCh38, 1-based): chr10:86,716,434, C>G. VCF-style: chr10-86716434-C-G. GRCh37 (hg19) VCF-style: chr10-88476191-C-G.
Other names: c.1009C>G, p.Pro337Ala (NM_001080114.2); c.1354C>G, p.Pro452Ala (NM_001171610.2); c.1150C>G, p.Pro384Ala (NM_001368064.1, NM_001368065.1); c.1198C>G, p.Pro400Ala (NM_001368066.1); short protein forms P447A, P400A, P384A, P452A, P337A.
Identifiers: ClinVar variation 45516 (VCV000045516.17), dbSNP rs397517211, ClinGen allele CA136500.

ClinVar aggregate classification (germline): Uncertain significance. Review status: criteria provided, multiple submitters, no conflicts (2 of 4 stars). 4 submissions from 4 submitters: Uncertain significance (4). Last evaluated 2026-01-11.

Conditions:
Cardiovascular phenotype. Identifiers: MedGen CN230736.
Myofibrillar myopathy 4. Also called: Zaspopathy (type). Identifiers: Orphanet 98912, MedGen C4721886, MONDO:0012277, OMIM 609452.
Dilated cardiomyopathy 1C (CMD1C). Also called: CARDIOMYOPATHY, DILATED, 1C, WITH OR WITHOUT LEFT VENTRICULAR NONCOMPACTION; Cardiomyopathy, dilated, 1C, with or without LVNC. Identifiers: Orphanet 154, Orphanet 54260, MedGen C1832244, MONDO:0011094, OMIM 601493.

Allele frequency attached by ClinVar (database versions not stated): TOPMed 0.00006; gnomAD exomes 0.00001; gnomAD 0.00005; ExAC 0.00003.
gnomAD v4.1: 17 of 1,578,106 alleles (0.0011%); highest among the groups gnomAD compares: African/African-American, 0.021%; no homozygotes.

Submissions (4):

Labcorp Genetics (formerly Invitae), Labcorp
Classification: Uncertain significance for Myofibrillar myopathy 4. Last evaluated: 2026-01-11. Review status: criteria provided, single submitter. Criteria: Invitae Variant Classification Sherloc (09022015). Collection method: clinical testing. Allele origin: germline.
Comment: The LDB3 gene has multiple clinically relevant transcripts. This variant occurs in alternate transcript NM_007078.3, and corresponds to NM_001080116.1:c.*17060C>G in the primary transcript. This sequence change replaces proline, which is neutral and non-polar, with alanine, which is neutral and non-polar, at codon 447 of the LDB3 protein (p.Pro447Ala). The frequency data for this variant in the population databases is considered unreliable, as metrics indicate poor data quality at this position in the gnomAD database. This variant has not been reported in the literature in individuals affected with LDB3-related conditions. ClinVar contains an entry for this variant (Variation ID: 45516) Experimental studies and prediction algorithms are not available or were not evaluated, and the functional significance of this variant is currently unknown. In summary, the available evidence is currently insufficient to determine the role of this variant in disease. Therefore, it has been classified as a Variant of Uncertain Significance.

Ambry Genetics
Classification: Uncertain significance for Cardiovascular phenotype. Last evaluated: 2024-12-13. Review status: criteria provided, single submitter. Criteria: Ambry Variant Classification Scheme 2023. Collection method: clinical testing. Allele origin: germline.
Comment: The p.P447A variant (also known as c.1339C>G), located in coding exon 9 of the LDB3 gene, results from a C to G substitution at nucleotide position 1339. The proline at codon 447 is replaced by alanine, an amino acid with highly similar properties. This variant was reported in individual(s) with features consistent with dilated cardiomyopathy (Mazzarotto F et al. Circulation. 2020 Feb;141(5):387-398). This amino acid position is well conserved in available vertebrate species. In addition, this alteration is predicted to be tolerated by in silico analysis. Based on the available evidence, the clinical significance of this variant remains unclear.

Fulgent Genetics
Classification: Uncertain significance for Dilated cardiomyopathy 1C; Myofibrillar myopathy 4. Last evaluated: 2021-09-08. Review status: criteria provided, single submitter. Criteria: ACMG Guidelines, 2015. Collection method: clinical testing. Allele origin: unknown.

Laboratory for Molecular Medicine, Mass General Brigham Personalized Medicine
Classification: Uncertain significance. Last evaluated: 2010-06-22. Review status: criteria provided, single submitter. Criteria: LMM Criteria. Collection method: clinical testing. Allele origin: germline. Observed: 1 variant allele.
Comment: Variant classified as Uncertain Significance - Favor Pathogenic.

Literature cited by the submitters: PubMed 31983221 (cited by Ambry Genetics).